The following is an entry in ClinVar:

ClinVar aggregate classification (germline): Conflicting classifications of pathogenicity. Review status: criteria provided, conflicting classifications (1 of 4 stars). 3 submissions from 3 submitters: Uncertain significance (2); Likely benign (1). Last evaluated 2026-02-04.

Conditions:
Hereditary cancer-predisposing syndrome. Also called: Hereditary neoplastic syndrome; Neoplastic Syndromes, Hereditary; Tumor predisposition; Hereditary Cancer Syndrome. Identifiers: Orphanet 140162, MedGen C0027672, MeSH D009386, MONDO:0015356.
Von Hippel-Lindau syndrome (VHLS). Also called: Von Hippel-Lindau; von Hippel–Lindau syndrome; VHL syndrome. Identifiers: Orphanet 892, MedGen C0019562, MONDO:0008667, OMIM 193300. Disease mechanism: loss of function.
Chuvash polycythemia. Also called: POLYCYTHEMIA, VHL-DEPENDENT. Identifiers: Orphanet 238557, MedGen C1837915, MONDO:0009892, OMIM 263400.

Allele frequency attached by ClinVar (database versions not stated): gnomAD exomes below 0.00001.
gnomAD v4.1: 1 of 1,534,762 alleles (0.000065%); highest among the groups gnomAD compares: East Asian, 0.0025%; no homozygotes.

Submissions (3):

Ambry Genetics
Classification: Likely benign for Hereditary cancer-predisposing syndrome. Last evaluated: 2026-02-04. Review status: criteria provided, single submitter. Criteria: Ambry Variant Classification Scheme 2023. Collection method: clinical testing. Allele origin: germline.

All of Us Research Program, National Institutes of Health
Classification: Uncertain significance for Von Hippel-Lindau syndrome. Last evaluated: 2024-02-05. Review status: criteria provided, single submitter. Criteria: ACMG Guidelines, 2015. Collection method: clinical testing. Allele origin: germline. Inheritance: Autosomal dominant inheritance. Observed: 1 variant allele, 1 heterozygote.
Comment: This missense variant replaces glutamic acid with glutamine at codon 6 of the VHL protein. Computational prediction suggests that this variant may not impact protein structure and function (internally defined REVEL score threshold <= 0.5, PMID: 27666373). To our knowledge, functional studies have not been reported for this variant. This variant has not been reported in individuals affected with VHL-related disorders in the literature. This variant has not been identified in the general population by the Genome Aggregation Database (gnomAD). The available evidence is insufficient to determine the role of this variant in disease conclusively. Therefore, this variant is classified as a Variant of Uncertain Significance.

This study involves interpretation of variants in research participants for the purpose of population health screening. Participant phenotype was not available at the time of variant classification. Additional details can be found in publication PMID: 35346344, PMCID: PMC8962531

Labcorp Genetics (formerly Invitae), Labcorp
Classification: Uncertain significance for Von Hippel-Lindau syndrome; Chuvash polycythemia. Last evaluated: 2023-07-19. Review status: criteria provided, single submitter. Criteria: Invitae Variant Classification Sherloc (09022015). Collection method: clinical testing. Allele origin: germline.
Comment: This sequence change replaces glutamic acid, which is acidic and polar, with glutamine, which is neutral and polar, at codon 6 of the VHL protein (p.Glu6Gln). This variant is not present in population databases (gnomAD no frequency). This variant has not been reported in the literature in individuals affected with VHL-related conditions. ClinVar contains an entry for this variant (Variation ID: 2174199). Advanced modeling of protein sequence and biophysical properties (such as structural, functional, and spatial information, amino acid conservation, physicochemical variation, residue mobility, and thermodynamic stability) performed at Invitae indicates that this missense variant is not expected to disrupt VHL protein function. In summary, the available evidence is currently insufficient to determine the role of this variant in disease. Therefore, it has been classified as a Variant of Uncertain Significance.

NM_000551.4(VHL):c.16G>C (p.Glu6Gln)

Gene: VHL (von Hippel-Lindau tumor suppressor; plus strand). Cytogenetic location: 3p25.3.
Variant type: single nucleotide variant.
Coding change: c.16G>C on transcript NM_000551.4 (MANE Select); coding-DNA position 16, G replaced by C.
Protein change: p.Glu6Gln; replaces glutamic acid 6 with glutamine.
Molecular consequence: missense variant.
Genome position (GRCh38, 1-based): chr3:10,141,863, G>C. VCF-style: chr3-10141863-G-C. GRCh37 (hg19) VCF-style: chr3-10183547-G-C.
Other names: c.16G>C, p.Glu6Gln (NM_001354723.2, NM_198156.3); short protein forms E6Q.
Identifiers: ClinVar variation 2174199 (VCV002174199.6), dbSNP rs545406510, ClinGen allele CA351747031.